The following is an entry in ClinVar:

NM_001148.6(ANK2):c.4618G>C (p.Ala1540Pro)

Gene: ANK2 (ankyrin 2; plus strand). Cytogenetic location: 4q26.
Variant type: single nucleotide variant.
Coding change: c.4618G>C on transcript NM_001148.6 (MANE Select); coding-DNA position 4618, G replaced by C.
Protein change: p.Ala1540Pro; replaces alanine 1540 with proline.
Molecular consequence: missense variant. On other transcripts: intron variant (68).
Genome position (GRCh38, 1-based): chr4:113,353,236, G>C. VCF-style: chr4-113353236-G-C. GRCh37 (hg19) VCF-style: chr4-114274392-G-C.
Other names: c.4384G>C, p.Ala1462Pro (NM_001386142.1); c.1018G>C, p.Ala340Pro (NM_001386166.1); c.4759G>C, p.Ala1587Pro (NM_001386174.1); c.4735G>C, p.Ala1579Pro (NM_001386175.1); c.4411+2987G>C (NM_001386186.2, NM_001386148.2); c.4213+2987G>C (NM_001354269.3); c.4291+2987G>C (NM_001386187.2); c.4252+2987G>C (NM_001386147.1); and 35 more; short protein forms A1540P, A1462P, A1579P, A1587P, A340P.
Identifiers: ClinVar variation 970620 (VCV000970620.10), dbSNP rs767390750, ClinGen allele CA3051125.

ClinVar aggregate classification (germline): Uncertain significance. Review status: criteria provided, multiple submitters, no conflicts (2 of 4 stars). 2 submissions from 2 submitters: Uncertain significance (2). Last evaluated 2026-02-03.

Conditions:
Long QT syndrome (LQTS). Identifiers: MedGen C0023976, MeSH D008133, MONDO:0002442. Disease mechanism: loss of function. Inheritance: Various modes of inheritance.
Cardiovascular phenotype. Identifiers: MedGen CN230736.

Allele frequency attached by ClinVar (database versions not stated): TOPMed 0.00001; gnomAD exomes 0.00002.
gnomAD v4.1: 30 of 1,613,944 alleles (0.0019%); highest among the groups gnomAD compares: South Asian, 0.015%; no homozygotes.

Submissions (2):

Labcorp Genetics (formerly Invitae), Labcorp
Classification: Uncertain significance for Long QT syndrome. Last evaluated: 2026-02-03. Review status: criteria provided, single submitter. Criteria: Invitae Variant Classification Sherloc (09022015). Collection method: clinical testing. Allele origin: germline.
Comment: This sequence change replaces alanine, which is neutral and non-polar, with proline, which is neutral and non-polar, at codon 1540 of the ANK2 protein (p.Ala1540Pro). This variant is present in population databases (rs767390750, gnomAD 0.01%). This variant has not been reported in the literature in individuals affected with ANK2-related conditions. ClinVar contains an entry for this variant (Variation ID: 970620). An algorithm developed to predict the effect of missense changes on protein structure and function outputs the following: PolyPhen-2: "Benign". The proline amino acid residue is found in multiple mammalian species, which suggests that this missense change does not adversely affect protein function. In summary, the available evidence is currently insufficient to determine the role of this variant in disease. Therefore, it has been classified as a Variant of Uncertain Significance.

Ambry Genetics
Classification: Uncertain significance for Cardiovascular phenotype. Last evaluated: 2024-12-20. Review status: criteria provided, single submitter. Criteria: Ambry Variant Classification Scheme 2023. Collection method: clinical testing. Allele origin: germline.
Comment: The p.A1540P variant (also known as c.4618G>C), located in coding exon 38 of the ANK2 gene, results from a G to C substitution at nucleotide position 4618. The alanine at codon 1540 is replaced by proline, an amino acid with highly similar properties. This amino acid position is conserved. In addition, this alteration is predicted to be tolerated by in silico analysis. Since supporting evidence is limited at this time, the clinical significance of this alteration remains unclear.